The following is an entry in ClinVar:

NM_144997.7(FLCN):c.1703C>G (p.Thr568Arg)

Gene: FLCN (folliculin; minus strand). Cytogenetic location: 17p11.2.
Variant type: single nucleotide variant.
Coding change: c.1703C>G on transcript NM_144997.7 (MANE Select); coding-DNA position 1703, C replaced by G.
Protein change: p.Thr568Arg; replaces threonine 568 with arginine.
Molecular consequence: missense variant.
Genome position (GRCh38, 1-based): chr17:17,213,692, G>C on the plus strand (C>G on the coding strand, the complement: FLCN is on the minus strand). VCF-style: chr17-17213692-G-C. GRCh37 (hg19) VCF-style: chr17-17117006-G-C.
Other names: c.1757C>G, p.Thr586Arg (NM_001353229.2); c.1703C>G, p.Thr568Arg (NM_001353230.2, NM_001353231.2); short protein forms T568R, T586R.
Identifiers: ClinVar variation 2850429 (VCV002850429.3), dbSNP rs781733528, ClinGen allele CA398529815.
Genomic context (GRCh38, chr17:17,213,692, plus strand): 5'-TTTAGGCAGGTGTGTGTGACGGGTCAGTTCCGAGACTCCGAGGCTGTGGGGCTGCGGACC[G>C]TGGACATGAGGTGTGACTTGTAGGTCTTGCTCAGGCCAGTCATCCAGAACTTCAGCAGCT-3'
Protein context (NP_659434.2, residues 558-578): SKTYKSHLMS[Thr568Arg]VRSPTASESR

ClinVar aggregate classification (germline): Uncertain significance (1 of 4 stars; one submission).

Conditions:
Birt-Hogg-Dube syndrome. Also called: Birt Hogg Dubé syndrome. Identifiers: Orphanet 122, MedGen C0346010, MONDO:0800444.

Submission:

Labcorp Genetics (formerly Invitae), Labcorp
Classification: Uncertain significance for Birt-Hogg-Dube syndrome. Last evaluated: 2023-03-28. Review status: criteria provided, single submitter. Criteria: Invitae Variant Classification Sherloc (09022015). Collection method: clinical testing. Allele origin: germline.
Comment: This variant is not present in population databases (gnomAD no frequency). This variant has not been reported in the literature in individuals affected with FLCN-related conditions. An algorithm developed to predict the effect of missense changes on protein structure and function (PolyPhen-2) suggests that this variant is likely to be tolerated. In summary, the available evidence is currently insufficient to determine the role of this variant in disease. Therefore, it has been classified as a Variant of Uncertain Significance. This sequence change replaces threonine, which is neutral and polar, with arginine, which is basic and polar, at codon 568 of the FLCN protein (p.Thr568Arg).